The following is an entry in ClinVar:

NM_002439.5(MSH3):c.2435+1G>C

Gene: MSH3 (mutS homolog 3; plus strand). Cytogenetic location: 5q14.1.
Variant type: single nucleotide variant.
Coding change: c.2435+1G>C on transcript NM_002439.5 (MANE Select); the canonical splice donor site of the intron after coding-DNA position 2435, G replaced by C.
Molecular consequence: splice donor variant.
Genome position (GRCh38, 1-based): chr5:80,778,837, G>C. VCF-style: chr5-80778837-G-C. GRCh37 (hg19) VCF-style: chr5-80074656-G-C.
Identifiers: ClinVar variation 850573 (VCV000850573.9), dbSNP rs1744356530, ClinGen allele CA360281948.

ClinVar aggregate classification (germline): Likely pathogenic. Review status: criteria provided, multiple submitters, no conflicts (2 of 4 stars). 2 submissions from 2 submitters: Likely pathogenic (2). Last evaluated 2023-08-30.

Conditions:
Familial adenomatous polyposis 4 (FAP4). Also called: MSH3-related attenuated familial adenomatous polyposis. Identifiers: Orphanet 480536, MedGen C4310719, MONDO:0044300, OMIM 617100.

Submissions (2):

Myriad Genetics, Inc.
Classification: Likely pathogenic for Familial adenomatous polyposis 4. Last evaluated: 2023-08-30. Review status: criteria provided, single submitter. Criteria: Myriad Autosomal Dominant, Autosomal Recessive and X-Linked Classification Criteria (2023). Collection method: clinical testing. Allele origin: unknown.
Comment: This variant is considered likely pathogenic. This variant occurs within a consensus splice junction and is predicted to result in abnormal mRNA splicing of either an out-of-frame exon or an in-frame exon necessary for protein stability and/or normal function.

Labcorp Genetics (formerly Invitae), Labcorp
Classification: Likely pathogenic. Last evaluated: 2019-11-20. Review status: criteria provided, single submitter. Criteria: Invitae Variant Classification Sherloc (09022015). Collection method: clinical testing. Allele origin: germline.
Comment: In summary, the currently available evidence indicates that the variant is pathogenic, but additional data are needed to prove that conclusively. Therefore, this variant has been classified as Likely Pathogenic. Donor and acceptor splice site variants typically lead to a loss of protein function (PMID: 16199547), and loss-of-function variants in MSH3 are known to be pathogenic (PMID: 27476653). This variant has not been reported in the literature in individuals with MSH3-related conditions. This variant is not present in population databases (ExAC no frequency). This sequence change affects a donor splice site in intron 17 of the MSH3 gene. It is expected to disrupt RNA splicing and likely results in an absent or disrupted protein product.

Literature cited by the submitters: PubMed 16199547 (cited by Labcorp Genetics (formerly Invitae), Labcorp); PubMed 27476653 (cited by Labcorp Genetics (formerly Invitae), Labcorp).